The following is an entry in ClinVar:

ClinVar aggregate classification (germline): Pathogenic. Review status: reviewed by expert panel (3 of 4 stars). 2 submissions from 2 submitters: Pathogenic (1). 1 of the submissions does not count toward it. Last evaluated 2023-10-15.

Conditions:
Phenylketonuria (PKU). Also called: Phenylketonurias; FOLLING DISEASE; OLIGOPHRENIA PHENYLPYRUVICA; Phenylketonuria (PKU). Identifiers: Orphanet 716, MedGen C0031485, MONDO:0009861, OMIM 261600. Disease mechanism: loss of function.

Submissions (2):

ClinGen PAH Variant Curation Expert Panel
Classification: Pathogenic for Phenylketonuria. Last evaluated: 2023-10-15. Review status: reviewed by expert panel. Criteria: ClinGen PAH ACMG Specifications v1. Collection method: curation. Allele origin: germline. Inheritance: Autosomal recessive inheritance.
Comment: The c.1002C>A (p.Cys334Ter) variant in PAH is a nonsense variant in exon 10 of 13 predicted to lead to nonsense mediated decay in a gene in which loss-of-function is an established disease mechanism (PVS1). This variant is absent from gnomAD. In summary, this variant meets the criteria to be classified as pathogenic for PAH deficiency based on the ACMG/AMP criteria applied, as specified by the ClinGen PAH VCEP: PVS1, PM2_supporting, PP4.

Baylor Genetics
Classification: Likely pathogenic for Phenylketonuria. Last evaluated: 2023-10-19. Review status: criteria provided, single submitter. Criteria: ACMG Guidelines, 2015. Collection method: clinical testing. Allele origin: unknown. Not counted in ClinVar's aggregate classification.

NM_000277.3(PAH):c.1002C>A (p.Cys334Ter)

Gene: PAH (phenylalanine hydroxylase; minus strand). Cytogenetic location: 12q23.2.
Variant type: single nucleotide variant.
Coding change: c.1002C>A on transcript NM_000277.3 (MANE Select); coding-DNA position 1002, C replaced by A.
Protein change: p.Cys334Ter; replaces cysteine 334 with a stop codon.
Molecular consequence: nonsense.
Genome position (GRCh38, 1-based): chr12:102,844,399, G>T on the plus strand (C>A on the coding strand, the complement: PAH is on the minus strand). VCF-style: chr12-102844399-G-T. GRCh37 (hg19) VCF-style: chr12-103238177-G-T.
Other names: NM_001354304.2:c.1002C>A; c.1002C>A, p.Cys334Ter (NM_001354304.2); short protein forms C334*.
Identifiers: ClinVar variation 2677430 (VCV002677430.1), dbSNP rs140243918, ClinGen allele CA16020918.